The following is an entry in ClinVar:

ClinVar aggregate classification (germline): Pathogenic. Review status: criteria provided, single submitter (1 of 4 stars). 2 submissions from 2 submitters: Pathogenic (1). 1 of the submissions does not count toward it. Last evaluated 2023-03-23.

Conditions:
Primary ciliary dyskinesia. Also called: Ciliary dyskinesia. Identifiers: Orphanet 244, MedGen C0008780, MONDO:0016575, HP:0012265.
Retinal dystrophy. Also called: Inherited retinal dystrophy. Identifiers: Orphanet 71862, MedGen C0854723, MeSH D058499, MONDO:0019118, HP:0000556.

Submissions (2):

Labcorp Genetics (formerly Invitae), Labcorp
Classification: Pathogenic for Primary ciliary dyskinesia. Last evaluated: 2023-03-23. Review status: criteria provided, single submitter. Criteria: Invitae Variant Classification Sherloc (09022015). Collection method: clinical testing. Allele origin: germline.
Comment: ClinVar contains an entry for this variant (Variation ID: 2117984). This sequence change creates a premature translational stop signal (p.Ser47Phefs*8) in the RPGR gene. It is expected to result in an absent or disrupted protein product. Loss-of-function variants in RPGR are known to be pathogenic (PMID: 16055928, 16969763). This variant is not present in population databases (gnomAD no frequency). This variant has not been reported in the literature in individuals affected with RPGR-related conditions. For these reasons, this variant has been classified as Pathogenic.

Institute of Human Genetics, Univ. Regensburg, Univ. Regensburg
Classification: Pathogenic for Retinal dystrophy. Last evaluated: 2008-01-01. Review status: no assertion criteria provided. Criteria: ACMG Guidelines, 2015. Collection method: clinical testing. Allele origin: germline. Affected: yes. Not counted in ClinVar's aggregate classification.

Literature cited by the submitters: PubMed 16055928 (cited by Labcorp Genetics (formerly Invitae), Labcorp); PubMed 16969763 (cited by Labcorp Genetics (formerly Invitae), Labcorp).

NM_001034853.2(RPGR):c.139dup (p.Ser47fs)

Gene: RPGR (retinitis pigmentosa GTPase regulator; minus strand). Cytogenetic location: Xp11.4.
Variant type: Duplication.
Coding change: c.139dup on transcript NM_001034853.2 (MANE Select); coding-DNA position 139, one base duplicated (T; older notation c.139dupT).
Protein change: p.Ser47fs; shifts the reading frame from serine 47.
Molecular consequence: frameshift variant. On other transcripts: non-coding transcript variant (6).
Genome position (GRCh38, 1-based): chrX:38,323,414, A duplicated on the plus strand (T on the coding strand, the reverse complement: RPGR is on the minus strand); the first of 2 consecutive A bases (chrX:38,323,414-38,323,415); duplicating either gives the same sequence. VCF-style (leftmost placement, unchanged base first): chrX-38323413-G-GA. GRCh37 (hg19) VCF-style: chrX-38182666-G-GA.
Other names: c.139dup, p.Ser47fs (NM_000328.3, NM_001367245.1, NM_001367246.1 and 4 more transcripts); c.169dup, p.Ser57fs (NM_001367248.1); short protein forms S47fs, S57fs.
Identifiers: ClinVar variation 2117984 (VCV002117984.5), dbSNP rs2519911944, ClinGen allele CA2580100910.